The following is an entry in ClinVar:

NM_176787.5(PIGN):c.1766A>G (p.Lys589Arg)

Gene: PIGN (phosphatidylinositol glycan anchor biosynthesis class N; minus strand). Cytogenetic location: 18q21.33.
Variant type: single nucleotide variant.
Coding change: c.1766A>G on transcript NM_176787.5 (MANE Select); coding-DNA position 1766, A replaced by G.
Protein change: p.Lys589Arg; replaces lysine 589 with arginine.
Molecular consequence: missense variant.
Genome position (GRCh38, 1-based): chr18:62,106,790, T>C on the plus strand (A>G on the coding strand, the complement: PIGN is on the minus strand). VCF-style: chr18-62106790-T-C. GRCh37 (hg19) VCF-style: chr18-59774023-T-C.
Other names: c.1766A>G, p.Lys589Arg (NM_012327.6); short protein forms K589R.
Identifiers: ClinVar variation 569845 (VCV000569845.14), dbSNP rs775932562, ClinGen allele CA8982182.

ClinVar aggregate classification (germline): Uncertain significance. Review status: criteria provided, multiple submitters, no conflicts (2 of 4 stars). 4 submissions from 4 submitters: Uncertain significance (4). Last evaluated 2026-03-26.

Conditions:
Multiple congenital anomalies-hypotonia-seizures syndrome 1 (MCAHS1). Also called: PIGN-CDG; Congenital disorder of glycosylation due to PIGN deficiency; GLYCOSYLPHOSPHATIDYLINOSITOL BIOSYNTHESIS DEFECT 3. Identifiers: Orphanet 280633, MedGen C3279775, MONDO:0013563, OMIM 614080.
Inborn genetic diseases. Identifiers: MedGen C0950123, MeSH D030342.

Allele frequency attached by ClinVar (database versions not stated): gnomAD 0.00009; gnomAD exomes 0.00001 and 0.00004; ExAC 0.00007; TOPMed 0.00009.
gnomAD v4.1: 39 of 1,599,504 alleles (0.0024%); highest among the groups gnomAD compares: Middle Eastern, 0.082%; no homozygotes.

Submissions (5):

GeneDx
Classification: Uncertain significance. Last evaluated: 2026-03-26. Review status: criteria provided, single submitter. Criteria: GeneDx Variant Classification Process June 2021. Collection method: clinical testing. Allele origin: germline.
Comment: In silico analysis suggests that this missense variant does not alter protein structure/function; Has not been previously published as pathogenic or benign to our knowledge

Ambry Genetics
Classification: Uncertain significance for Inborn genetic diseases. Last evaluated: 2024-10-24. Review status: criteria provided, single submitter. Criteria: Ambry Variant Classification Scheme 2023. Collection method: clinical testing. Allele origin: germline.

Labcorp Genetics (formerly Invitae), Labcorp
Classification: Uncertain significance for Multiple congenital anomalies-hypotonia-seizures syndrome 1. Last evaluated: 2022-11-01. Review status: criteria provided, single submitter. Criteria: Invitae Variant Classification Sherloc (09022015). Collection method: clinical testing. Allele origin: germline.
Comment: This sequence change replaces lysine, which is basic and polar, with arginine, which is basic and polar, at codon 589 of the PIGN protein (p.Lys589Arg). The frequency data for this variant in the population databases is considered unreliable, as metrics indicate poor data quality at this position in the gnomAD database. This variant has not been reported in the literature in individuals affected with PIGN-related conditions. ClinVar contains an entry for this variant (Variation ID: 569845). Algorithms developed to predict the effect of missense changes on protein structure and function are either unavailable or do not agree on the potential impact of this missense change (SIFT: "Tolerated"; PolyPhen-2: "Possibly Damaging"; Align-GVGD: "Class C0"). In summary, the available evidence is currently insufficient to determine the role of this variant in disease. Therefore, it has been classified as a Variant of Uncertain Significance.

Revvity Omics, Revvity
Classification: Uncertain significance for Multiple congenital anomalies-hypotonia-seizures syndrome 1. Last evaluated: 2022-06-02. Review status: criteria provided, single submitter. Criteria: ACMG Guidelines, 2015. Collection method: clinical testing. Allele origin: germline.

Dr. Peter K. Rogan Lab, Western University
No classification provided (evidence only). Condition: Clear cell carcinoma of kidney. Review status: no classification provided. Collection method: in vitro. Allele origin: not applicable. Functional consequence: skipped exon, retained intron. Not counted in ClinVar's aggregate classification.